The following is an entry in ClinVar:

NM_153704.6(TMEM67):c.2879C>T (p.Ala960Val)

Gene: TMEM67 (transmembrane protein 67; plus strand). Cytogenetic location: 8q22.1.
Variant type: single nucleotide variant.
Coding change: c.2879C>T on transcript NM_153704.6 (MANE Select); coding-DNA position 2879, C replaced by T.
Protein change: p.Ala960Val; replaces alanine 960 with valine.
Molecular consequence: missense variant. On other transcripts: non-coding transcript variant (1).
Genome position (GRCh38, 1-based): chr8:93,815,419, C>T. VCF-style: chr8-93815419-C-T. GRCh37 (hg19) VCF-style: chr8-94827647-C-T.
Other names: c.2636C>T, p.Ala879Val (NM_001142301.1); short protein forms A960V, A879V.
Identifiers: ClinVar variation 2925442 (VCV002925442.3), dbSNP rs2536968043, ClinGen allele CA371701319.

ClinVar aggregate classification (germline): Likely pathogenic (1 of 4 stars; one submission).

Conditions:
Joubert syndrome. Also called: CEREBELLOPARENCHYMAL DISORDER IV; JOUBERT-BOLTSHAUSER SYNDROME; Familial aplasia of the vermis. Identifiers: Orphanet 475, MedGen C5979921, MONDO:0018772.
Meckel-Gruber syndrome. Also called: DYSENCEPHALIA SPLANCHNOCYSTICA; GRUBER SYNDROME; Dysencephalia splachnocystica. Identifiers: Orphanet 564, MedGen C0265215, MONDO:0018921.

Allele frequency attached by ClinVar (database versions not stated): gnomAD exomes below 0.00001.
gnomAD v4.1: 1 of 1,612,746 alleles (0.000062%); highest among the groups gnomAD compares: Non-Finnish European, 0.000085%; no homozygotes.

Submission:

Labcorp Genetics (formerly Invitae), Labcorp
Classification: Likely pathogenic for Joubert syndrome; Meckel-Gruber syndrome. Last evaluated: 2023-12-11. Review status: criteria provided, single submitter. Criteria: Invitae Variant Classification Sherloc (09022015). Collection method: clinical testing. Allele origin: germline.
Comment: This sequence change replaces alanine, which is neutral and non-polar, with valine, which is neutral and non-polar, at codon 960 of the TMEM67 protein (p.Ala960Val). This variant is not present in population databases (gnomAD no frequency). This missense change has been observed in individual(s) with Joubert syndrome (PMID: 28497568). Advanced modeling of protein sequence and biophysical properties (such as structural, functional, and spatial information, amino acid conservation, physicochemical variation, residue mobility, and thermodynamic stability) performed at Invitae indicates that this missense variant is expected to disrupt TMEM67 protein function with a positive predictive value of 95%. In summary, the currently available evidence indicates that the variant is pathogenic, but additional data are needed to prove that conclusively. Therefore, this variant has been classified as Likely Pathogenic.

Literature cited by the submitters: PubMed 28497568.